The following is an entry in ClinVar:

NM_022098.4(XPNPEP3):c.1511G>A (p.Ser504Asn)

Gene: XPNPEP3 (X-prolyl aminopeptidase 3; plus strand). Cytogenetic location: 22q13.2.
Variant type: single nucleotide variant.
Coding change: c.1511G>A on transcript NM_022098.4 (MANE Select); coding-DNA position 1511, G replaced by A.
Protein change: p.Ser504Asn; replaces serine 504 with asparagine.
Molecular consequence: missense variant.
Genome position (GRCh38, 1-based): chr22:40,926,422, G>A. VCF-style: chr22-40926422-G-A. GRCh37 (hg19) VCF-style: chr22-41322426-G-A.
Other names: short protein forms S504N.
Identifiers: ClinVar variation 1439938 (VCV001439938.6), dbSNP rs2146283516, ClinGen allele CA411976576.

ClinVar aggregate classification (germline): Uncertain significance (1 of 4 stars; one submission).

Conditions:
Nephronophthisis-like nephropathy 1 (NPHPL1). Identifiers: Orphanet 655, MedGen C3150419, MONDO:0013163, OMIM 613159.

Allele frequency attached by ClinVar (database versions not stated): gnomAD exomes below 0.00001.

Submission:

Labcorp Genetics (formerly Invitae), Labcorp
Classification: Uncertain significance for Nephronophthisis-like nephropathy 1. Last evaluated: 2022-06-13. Review status: criteria provided, single submitter. Criteria: Invitae Variant Classification Sherloc (09022015). Collection method: clinical testing. Allele origin: germline.
Comment: In summary, the available evidence is currently insufficient to determine the role of this variant in disease. Therefore, it has been classified as a Variant of Uncertain Significance. Algorithms developed to predict the effect of missense changes on protein structure and function output the following: SIFT: "Tolerated"; PolyPhen-2: "Benign"; Align-GVGD: "Class C0". The asparagine amino acid residue is found in multiple mammalian species, which suggests that this missense change does not adversely affect protein function. This variant has not been reported in the literature in individuals affected with XPNPEP3-related conditions. This variant is not present in population databases (gnomAD no frequency). This sequence change replaces serine, which is neutral and polar, with asparagine, which is neutral and polar, at codon 504 of the XPNPEP3 protein (p.Ser504Asn).